The following is an entry in ClinVar:

NM_001040142.2(SCN2A):c.2051G>A (p.Arg684Gln)

Gene: SCN2A (sodium voltage-gated channel alpha subunit 2; plus strand). Cytogenetic location: 2q24.3.
Variant type: single nucleotide variant.
Coding change: c.2051G>A on transcript NM_001040142.2 (MANE Select); coding-DNA position 2051, G replaced by A.
Protein change: p.Arg684Gln; replaces arginine 684 with glutamine.
Molecular consequence: missense variant.
Genome position (GRCh38, 1-based): chr2:165,326,886, G>A. VCF-style: chr2-165326886-G-A. GRCh37 (hg19) VCF-style: chr2-166183396-G-A.
Other names: c.2051G>A, p.Arg684Gln (NM_001040143.2, NM_001371246.1, NM_001371247.1 and 1 more transcripts); short protein forms R684Q.
Identifiers: ClinVar variation 588751 (VCV000588751.18), dbSNP rs146949852, ClinGen allele CA1939923.
Genomic context (GRCh38, chr2:165,326,886, plus strand): 5'-TATTTCATCTGAAATTCTACTTCTAGGGCACAACTACTGAAACAGAAATAAGAAAGAGAC[G>A]GTCCAGTTCTTATCATGTTTCCATGGATTTATTGGAAGATCCTACATCAAGGCAAAGAGC-3'
Protein context (NP_001035232.1, residues 674-694): TTTETEIRKR[Arg684Gln]SSSYHVSMDL

ClinVar aggregate classification (germline): Conflicting classifications of pathogenicity. Review status: criteria provided, conflicting classifications (1 of 4 stars). 3 submissions from 3 submitters: Uncertain significance (1); Likely benign (2). Last evaluated 2025-10-20.

Conditions:
Inborn genetic diseases. Identifiers: MedGen C0950123, MeSH D030342.
Seizures, benign familial infantile, 3 (BFIS3). Also called: CONVULSIONS, BENIGN FAMILIAL INFANTILE, 3; Familial neonatal seizures. Identifiers: Orphanet 140927, Orphanet 306, MedGen C1843140, MONDO:0011904, OMIM 607745.
Developmental and epileptic encephalopathy, 11 (DEE11). Also called: Early infantile epileptic encephalopathy 11. Identifiers: Orphanet 1934, MedGen C3150987, MONDO:0013388, OMIM 613721.

Allele frequency attached by ClinVar (database versions not stated): gnomAD 0.00001; gnomAD exomes 0.00002; TOPMed 0.00002; ExAC 0.00003; ESP Exome Variant Server 0.00015.
gnomAD v4.1: 38 of 1,613,690 alleles (0.0024%); highest among the groups gnomAD compares: South Asian, 0.0044%; no homozygotes.

Submissions (3):

Labcorp Genetics (formerly Invitae), Labcorp
Classification: Likely benign for Seizures, benign familial infantile, 3; Developmental and epileptic encephalopathy, 11. Last evaluated: 2025-10-20. Review status: criteria provided, single submitter. Criteria: Invitae Variant Classification Sherloc (09022015). Collection method: clinical testing. Allele origin: germline.

Illumina Laboratory Services, Illumina
Classification: Likely benign for Seizures, benign familial infantile, 3. Last evaluated: 2018-01-12. Review status: criteria provided, single submitter. Criteria: ICSL Variant Classification Criteria 13 December 2019. Collection method: clinical testing. Allele origin: germline.
Comment: This variant was observed in the ICSL laboratory as part of a predisposition screen in an ostensibly healthy population. It had not been previously curated by ICSL or reported in the Human Gene Mutation Database (HGMD: prior to June 1st, 2018), and was therefore a candidate for classification through an automated scoring system. Utilizing variant allele frequency, disease prevalence and penetrance estimates, and inheritance mode, an automated score was calculated to assess if this variant is too frequent to cause the disease. Based on the score and internal cut-off values, a variant classified as likely benign is not then subjected to further curation. The score for this variant resulted in a classification of likely benign for this disease.

Ambry Genetics
Classification: Uncertain significance for Inborn genetic diseases. Last evaluated: 2017-02-03. Review status: criteria provided, single submitter. Criteria: Ambry Variant Classification Scheme 2023. Collection method: clinical testing. Allele origin: germline.
Comment: The p.R684Q variant (also known as c.2051G>A), located in coding exon 12 of the SCN2A gene, results from a G to A substitution at nucleotide position 2051. The arginine at codon 684 is replaced by glutamine, an amino acid with highly similar properties. This amino acid position is well conserved in available vertebrate species. In addition, the in silico prediction for this alteration is inconclusive. Since supporting evidence is limited at this time, the clinical significance of this alteration remains unclear.